The following is an entry in ClinVar:

ClinVar aggregate classification (germline): Uncertain significance. Review status: criteria provided, single submitter (1 of 4 stars). 2 submissions from 2 submitters: Uncertain significance (1). 1 of the submissions does not count toward it. Last evaluated 2025-05-21.

Allele frequency attached by ClinVar (database versions not stated): gnomAD exomes 0.00001 and below 0.00001; gnomAD 0.00001; ExAC 0.00001.
gnomAD v4.1: 18 of 1,614,028 alleles (0.0011%); highest among the groups gnomAD compares: Non-Finnish European, 0.0014%; no homozygotes.

Submissions (2):

Ambry Genetics
Classification: Uncertain significance. Last evaluated: 2025-05-21. Review status: criteria provided, single submitter. Criteria: Ambry Variant Classification Scheme 2023. Collection method: clinical testing. Allele origin: germline.

Department of Pathology and Laboratory Medicine, Sinai Health System
Classification: Uncertain significance. Review status: no assertion criteria provided. Collection method: clinical testing. Allele origin: unknown. Affected: yes. Study: The Canadian Open Genetics Repository (COGR). Not counted in ClinVar's aggregate classification.
Comment: The PTCH2 p.Gly42Cys variant was not identified in the literature nor was it identified in ClinVar, Cosmic or LOVD 3.0, The variant was identified in dbSNP (ID: rs775263591) and in control databases in 1 of 251454 chromosomes at a frequency of 0.000003977 (Genome Aggregation Database March 6, 2019, v2.1.1). The variant was observed in the European (non-Finnish) population in 1 of 113738 chromosomes (freq: 0.000009), but was not observed in the African, Latino, Ashkenazi Jewish, East Asian, European (Finnish), Other, or South Asian populations. The p.Gly42 residue is conserved in mammals and computational analyses (PolyPhen-2, SIFT, AlignGVGD, BLOSUM, MutationTaster) provide inconsistent predictions regarding the impact to the protein; this information is not very predictive of pathogenicity. The variant occurs outside of the splicing consensus sequence and three of four in silico or computational prediction software programs (SpliceSiteFinder, MaxEntScan, NNSPLICE, GeneSplicer) do not predict a greater than 10% difference in splicing; this is not very predictive of pathogenicity. In summary, based on the above information the clinical significance of this variant cannot be determined with certainty at this time. This variant is classified as a variant of uncertain significance.

NM_003738.5(PTCH2):c.124G>T (p.Gly42Cys)

Gene: PTCH2 (patched 2; minus strand). Cytogenetic location: 1p34.1.
Variant type: single nucleotide variant.
Coding change: c.124G>T on transcript NM_003738.5 (MANE Select); coding-DNA position 124, G replaced by T.
Protein change: p.Gly42Cys; replaces glycine 42 with cysteine.
Molecular consequence: missense variant.
Genome position (GRCh38, 1-based): chr1:44,841,988, C>A on the plus strand (G>T on the coding strand, the complement: PTCH2 is on the minus strand). VCF-style: chr1-44841988-C-A. GRCh37 (hg19) VCF-style: chr1-45307660-C-A.
Other names: c.124G>T, p.Gly42Cys (NM_001166292.2); c.124G>T (NM_003738.4); short protein forms G42C.
Identifiers: ClinVar variation 1050657 (VCV001050657.2), dbSNP rs775263591, ClinGen allele CA823738.